The following is an entry in ClinVar:

ClinVar aggregate classification (germline): Uncertain significance (1 of 4 stars; one submission).

Conditions:
Paroxysmal nonkinesigenic dyskinesia. Also called: Paroxysmal non-kinesigenic dyskinesia. Identifiers: Orphanet 98810, MedGen C1869117, MONDO:0700088.

Allele frequency attached by ClinVar (database versions not stated): TOPMed below 0.00001; gnomAD exomes 0.00001; ExAC 0.00002.
gnomAD v4.1: 16 of 1,613,928 alleles (0.00099%); highest among the groups gnomAD compares: Non-Finnish European, 0.0014%; no homozygotes.

Submission:

Labcorp Genetics (formerly Invitae), Labcorp
Classification: Uncertain significance for Paroxysmal nonkinesigenic dyskinesia. Last evaluated: 2023-10-16. Review status: criteria provided, single submitter. Criteria: Invitae Variant Classification Sherloc (09022015). Collection method: clinical testing. Allele origin: germline.
Comment: This sequence change replaces proline, which is neutral and non-polar, with serine, which is neutral and polar, at codon 358 of the PNKD protein (p.Pro358Ser). This variant is present in population databases (rs767134422, gnomAD 0.002%). This variant has not been reported in the literature in individuals affected with PNKD-related conditions. An algorithm developed to predict the effect of missense changes on protein structure and function (PolyPhen-2) suggests that this variant is likely to be tolerated. In summary, the available evidence is currently insufficient to determine the role of this variant in disease. Therefore, it has been classified as a Variant of Uncertain Significance.

NM_015488.5(PNKD):c.1072C>T (p.Pro358Ser)

Genes: CATIP-AS2 (CATIP antisense RNA 2; minus strand), PNKD (PNKD metallo-beta-lactamase domain containing; plus strand). Cytogenetic location: 2q35.
Variant type: single nucleotide variant.
Coding change: c.1072C>T on transcript NM_015488.5 (MANE Select); coding-DNA position 1072, C replaced by T.
Protein change: p.Pro358Ser; replaces proline 358 with serine.
Molecular consequence: missense variant.
Genome position (GRCh38, 1-based): chr2:218,344,895, C>T. VCF-style: chr2-218344895-C-T. GRCh37 (hg19) VCF-style: chr2-219209618-C-T.
Other names: c.1000C>T, p.Pro334Ser (NM_022572.5); short protein forms P334S, P358S.
Identifiers: ClinVar variation 2731708 (VCV002731708.3), dbSNP rs767134422, ClinGen allele CA2104199.